The following is an entry in ClinVar:

ClinVar aggregate classification (germline): Pathogenic (1 of 4 stars; one submission).

Conditions:
Neuromuscular disease caused by qualitative or quantitative defects of dysferlin. Also called: Dysferlinopathy; Qualitative or quantitative defects of dysferlin. Identifiers: Orphanet 207073, MedGen C2931687, MONDO:0016145.

Submission:

Labcorp Genetics (formerly Invitae), Labcorp
Classification: Pathogenic for Neuromuscular disease caused by qualitative or quantitative defects of dysferlin. Last evaluated: 2023-04-17. Review status: criteria provided, single submitter. Criteria: Invitae Variant Classification Sherloc (09022015). Collection method: clinical testing. Allele origin: germline.
Comment: This variant is not present in population databases (gnomAD no frequency). This sequence change creates a premature translational stop signal (p.Tyr1035*) in the DYSF gene. It is expected to result in an absent or disrupted protein product. Loss-of-function variants in DYSF are known to be pathogenic (PMID: 17698709, 20301480). This variant has not been reported in the literature in individuals affected with DYSF-related conditions. For these reasons, this variant has been classified as Pathogenic.

Literature cited by the submitters: PubMed 17698709; PubMed 20301480.

NM_001130987.2(DYSF):c.3159C>A (p.Tyr1053Ter)

Gene: DYSF (dysferlin; plus strand). Cytogenetic location: 2p13.2.
Variant type: single nucleotide variant.
Coding change: c.3159C>A on transcript NM_001130987.2 (MANE Select); coding-DNA position 3159, C replaced by A.
Protein change: p.Tyr1053Ter; replaces tyrosine 1053 with a stop codon.
Molecular consequence: nonsense.
Genome position (GRCh38, 1-based): chr2:71,570,672, C>A. VCF-style: chr2-71570672-C-A. GRCh37 (hg19) VCF-style: chr2-71797802-C-A.
Other names: c.3108C>A, p.Tyr1036Ter (NM_001130455.2, NM_001130983.2); c.3063C>A, p.Tyr1021Ter (NM_001130976.2, NM_001130977.2); c.3105C>A, p.Tyr1035Ter (NM_001130978.2, NM_003494.4); c.3198C>A, p.Tyr1066Ter (NM_001130979.2); c.3156C>A, p.Tyr1052Ter (NM_001130980.2, NM_001130981.2); c.3201C>A, p.Tyr1067Ter (NM_001130982.2); c.3066C>A, p.Tyr1022Ter (NM_001130984.2, NM_001130986.2); c.3159C>A, p.Tyr1053Ter (NM_001130985.2); short protein forms Y1052*, Y1066*, Y1067*, Y1022*, Y1035*, Y1036*, Y1053*, Y1021*.
Identifiers: ClinVar variation 2857321 (VCV002857321.3), dbSNP rs1205077486, ClinGen allele CA347217047.